The following is an entry in ClinVar:

NM_001378454.1(ALMS1):c.1013G>A (p.Arg338His)

Gene: ALMS1 (ALMS1 centrosome and basal body associated protein; plus strand). Cytogenetic location: 2p13.1.
Variant type: single nucleotide variant.
Coding change: c.1013G>A on transcript NM_001378454.1 (MANE Select); coding-DNA position 1013, G replaced by A.
Protein change: p.Arg338His; replaces arginine 338 with histidine.
Molecular consequence: missense variant.
Genome position (GRCh38, 1-based): chr2:73,424,678, G>A. VCF-style: chr2-73424678-G-A. GRCh37 (hg19) VCF-style: chr2-73651806-G-A.
Other names: c.1016G>A, p.Arg339His (NM_015120.4); short protein forms R338H, R339H.
Identifiers: ClinVar variation 2008890 (VCV002008890.4), dbSNP rs373371896, ClinGen allele CA1713031.

ClinVar aggregate classification (germline): Conflicting classifications of pathogenicity. Review status: criteria provided, conflicting classifications (1 of 4 stars). 4 submissions from 4 submitters: Uncertain significance (3); Likely benign (1). Last evaluated 2024-12-02.

Conditions:
Alstrom syndrome (ALMS). Identifiers: Orphanet 64, MedGen C0268425, MONDO:0008763, OMIM 203800.
Cardiovascular phenotype. Identifiers: MedGen CN230736.

Allele frequency attached by ClinVar (database versions not stated): gnomAD 0.00001; TOPMed 0.00002; ExAC 0.00006; ESP Exome Variant Server 0.00008.
gnomAD v4.1: 26 of 1,613,896 alleles (0.0016%); highest among the groups gnomAD compares: Middle Eastern, 0.066%; no homozygotes.

Submissions (4):

GeneDx
Classification: Uncertain significance. Last evaluated: 2024-12-02. Review status: criteria provided, single submitter. Criteria: GeneDx Variant Classification Process June 2021. Collection method: clinical testing. Allele origin: germline. Affected: yes.
Comment: Has not been previously published as pathogenic or benign to our knowledge

Ambry Genetics
Classification: Likely benign for Cardiovascular phenotype. Last evaluated: 2024-07-17. Review status: criteria provided, single submitter. Criteria: Ambry Variant Classification Scheme 2023. Collection method: clinical testing. Allele origin: germline.

Blueprint Genetics
Classification: Uncertain significance. Last evaluated: 2023-12-27. Review status: criteria provided, single submitter. Criteria: ACMG Guidelines, 2015. Collection method: clinical testing. Allele origin: germline.

Labcorp Genetics (formerly Invitae), Labcorp
Classification: Uncertain significance for Alstrom syndrome. Last evaluated: 2022-05-05. Review status: criteria provided, single submitter. Criteria: Invitae Variant Classification Sherloc (09022015). Collection method: clinical testing. Allele origin: germline.
Comment: This sequence change replaces arginine, which is basic and polar, with histidine, which is basic and polar, at codon 339 of the ALMS1 protein (p.Arg339His). This variant is present in population databases (rs373371896, gnomAD 0.02%). This variant has not been reported in the literature in individuals affected with ALMS1-related conditions. Algorithms developed to predict the effect of missense changes on protein structure and function output the following: SIFT: "Not Available"; PolyPhen-2: "Not Available"; Align-GVGD: "Not Available". The histidine amino acid residue is found in multiple mammalian species, which suggests that this missense change does not adversely affect protein function. In summary, the available evidence is currently insufficient to determine the role of this variant in disease. Therefore, it has been classified as a Variant of Uncertain Significance.